The following is an entry in ClinVar:

ClinVar aggregate classification (germline): Likely pathogenic (1 of 4 stars; one submission).

Conditions:
Ellis-van Creveld syndrome (EVC). Also called: EVC-Related Ellis-van Creveld Syndrome; EVC2-Related Ellis-van Creveld Syndrome; MESOECTODERMAL DYSPLASIA; Chondroectodermal dysplasia. Identifiers: Orphanet 289, MedGen C0013903, MONDO:0009162, OMIM 225500.

Submission:

Myriad Genetics, Inc.
Classification: Likely pathogenic for Ellis-van Creveld syndrome. Last evaluated: 2022-05-18. Review status: criteria provided, single submitter. Criteria: Myriad Women's Health Autosomal Recessive and X-Linked Classification Criteria (2021). Collection method: clinical testing. Allele origin: unknown.
Comment: NM_147127.4(EVC2):c.1997dupA(L667Afs*8) is expected to be pathogenic in the context of EVC2-related Ellis-van Creveld syndrome. This variant is predicted to lead to an abnormal or absent protein product due to the creation of a premature termination codon in EVC2, a gene where loss-of-function variants are known to be pathogenic. Please note: this variant was assessed in the context of healthy population screening.

NM_147127.5(EVC2):c.1997dup (p.Leu667fs)

Gene: EVC2 (EvC ciliary complex subunit 2; minus strand). Cytogenetic location: 4p16.2.
Variant type: Duplication.
Coding change: c.1997dup on transcript NM_147127.5 (MANE Select); coding-DNA position 1997, one base duplicated (A; older notation c.1997dupA).
Protein change: p.Leu667fs; shifts the reading frame from leucine 667.
Molecular consequence: frameshift variant.
Genome position (GRCh38, 1-based): chr4:5,625,798, T duplicated on the plus strand (A on the coding strand, the reverse complement: EVC2 is on the minus strand); the first of 5 consecutive T bases (chr4:5,625,798-5,625,802); duplicating any one gives the same sequence. VCF-style (leftmost placement, unchanged base first): chr4-5625797-C-CT. GRCh37 (hg19) VCF-style: chr4-5627524-C-CT.
Other names: c.1757dup, p.Leu587fs (NM_001166136.2); short protein forms L587fs, L667fs.
Identifiers: ClinVar variation 1726099 (VCV001726099.2), dbSNP rs2475385758, ClinGen allele CA2580070748.